The following is an entry in ClinVar:

ClinVar aggregate classification (germline): Likely benign (1 of 4 stars; one submission).

Submission:

CeGaT Center for Human Genetics Tuebingen
Classification: Likely benign. Last evaluated: 2023-08-01. Review status: criteria provided, single submitter. Criteria: CeGaT Center For Human Genetics Tuebingen Variant Classification Criteria Version 2. Collection method: clinical testing. Allele origin: germline. Affected: yes. Observed: 1 variant allele.
Comment: FAM186A: PM2:Supporting, BP4, BP7

NM_001145475.3(FAM186A):c.3621C>A (p.Leu1207=)

Gene: FAM186A (family with sequence similarity 186 member A; minus strand). Cytogenetic location: 12q13.12.
Variant type: single nucleotide variant.
Coding change: c.3621C>A on transcript NM_001145475.3 (MANE Select); coding-DNA position 3621, C replaced by A.
Protein change: p.Leu1207=; no amino-acid change (leucine 1207 retained).
Molecular consequence: synonymous variant.
Genome position (GRCh38, 1-based): chr12:50,353,211, G>T on the plus strand (C>A on the coding strand, the complement: FAM186A is on the minus strand). VCF-style: chr12-50353211-G-T. GRCh37 (hg19) VCF-style: chr12-50746994-G-T.
Identifiers: ClinVar variation 2642991 (VCV002642991.24), dbSNP rs2540097649, ClinGen allele CA479764944.